The following is an entry in ClinVar:

NM_032193.4(RNASEH2C):c.93G>A (p.Leu31=)

Genes: RNASEH2C (ribonuclease H2 subunit C; minus strand), LOC130006061 (ATAC-STARR-seq lymphoblastoid silent region 3553; plus strand). Cytogenetic location: 11q13.1.
Variant type: single nucleotide variant.
Coding change: c.93G>A on transcript NM_032193.4 (MANE Select); coding-DNA position 93, G replaced by A.
Protein change: p.Leu31=; no amino-acid change (leucine 31 retained).
Molecular consequence: synonymous variant.
Genome position (GRCh38, 1-based): chr11:65,720,666, C>T on the plus strand (G>A on the coding strand, the complement: RNASEH2C is on the minus strand). VCF-style: chr11-65720666-C-T. GRCh37 (hg19) VCF-style: chr11-65488137-C-T.
Identifiers: ClinVar variation 3026669 (VCV003026669.22), dbSNP rs1222416544, ClinGen allele CA475285788.
Genomic context (GRCh38, chr11:65,720,666, plus strand): 5'-GGCGGGCGTGAAGAAGCGCCCCACCGGGGCGGGCCCGTCCACCGCAACCTCGCAGGGCAG[C>T]AGATGCAGTGTGGCGGGTACGGCGTCGCGCAATGTGGCGGAGCGCAAGTGGACGCGGTGC-3'
Protein context (NP_115569.2, residues 21-41): LRDAVPATLH[Leu31=]LPCEVAVDGP

ClinVar aggregate classification (germline): Likely benign (1 of 4 stars; one submission).

Submission:

CeGaT Center for Human Genetics Tuebingen
Classification: Likely benign. Last evaluated: 2023-12-01. Review status: criteria provided, single submitter. Criteria: CeGaT Center For Human Genetics Tuebingen Variant Classification Criteria Version 2. Collection method: clinical testing. Allele origin: germline. Affected: yes. Observed: 1 variant allele.
Comment: RNASEH2C: PM2:Supporting, BP4, BP7